The following is an entry in ClinVar:

ClinVar aggregate classification (germline): Uncertain significance. Review status: criteria provided, multiple submitters, no conflicts (2 of 4 stars). 2 submissions from 2 submitters: Uncertain significance (2). Last evaluated 2023-04-13.

Conditions:
Hereditary cancer-predisposing syndrome. Also called: Neoplastic Syndromes, Hereditary; Tumor predisposition; Hereditary Cancer Syndrome; Hereditary neoplastic syndrome. Identifiers: Orphanet 140162, MedGen C0027672, MeSH D009386, MONDO:0015356.

Submissions (2):

Ambry Genetics
Classification: Uncertain significance for Hereditary cancer-predisposing syndrome. Last evaluated: 2023-04-13. Review status: criteria provided, single submitter. Criteria: Ambry Variant Classification Scheme 2023. Collection method: clinical testing. Allele origin: germline.
Comment: The p.E1898D variant (also known as c.5694G>T), located in coding exon 42 of the POLE gene, results from a G to T substitution at nucleotide position 5694. The glutamic acid at codon 1898 is replaced by aspartic acid, an amino acid with highly similar properties. This amino acid position is conserved. In addition, this alteration is predicted to be tolerated by in silico analysis. Since supporting evidence is limited at this time, the clinical significance of this alteration remains unclear.

Labcorp Genetics (formerly Invitae), Labcorp
Classification: Uncertain significance. Last evaluated: 2020-07-27. Review status: criteria provided, single submitter. Criteria: Invitae Variant Classification Sherloc (09022015). Collection method: clinical testing. Allele origin: germline.
Comment: In summary, this variant has uncertain impact on POLE function. The available evidence is currently insufficient to determine its role in disease. Therefore, it has been classified as a Variant of Uncertain Significance. Algorithms developed to predict the effect of missense changes on protein structure and function output the following: SIFT: "Tolerated"; PolyPhen-2: "Benign"; Align-GVGD: "Class C0". The aspartic acid amino acid residue is found in multiple mammalian species, suggesting that this missense change does not adversely affect protein function. These predictions have not been confirmed by published functional studies and their clinical significance is uncertain. This variant has not been reported in the literature in individuals with a POLE-related disease. This variant is not present in population databases (ExAC no frequency). This sequence change replaces glutamic acid with aspartic acid at codon 1898 of the POLE protein (p.Glu1898Asp). The glutamic acid residue is highly conserved and there is a small physicochemical difference between glutamic acid and aspartic acid.

NM_006231.4(POLE):c.5694G>T (p.Glu1898Asp)

Gene: POLE (DNA polymerase epsilon, catalytic subunit; minus strand). Cytogenetic location: 12q24.33.
Variant type: single nucleotide variant.
Coding change: c.5694G>T on transcript NM_006231.4 (MANE Select); coding-DNA position 5694, G replaced by T.
Protein change: p.Glu1898Asp; replaces glutamic acid 1898 with aspartic acid.
Molecular consequence: missense variant.
Genome position (GRCh38, 1-based): chr12:132,636,009, C>A on the plus strand (G>T on the coding strand, the complement: POLE is on the minus strand). VCF-style: chr12-132636009-C-A. GRCh37 (hg19) VCF-style: chr12-133212595-C-A.
Other names: c.5694G>T (NM_006231.2); short protein forms E1898D.
Identifiers: ClinVar variation 473758 (VCV000473758.12), dbSNP rs1555221506, ClinGen allele CA387373232.